The following is an entry in ClinVar:

ClinVar aggregate classification (germline): Uncertain significance (1 of 4 stars; one submission).

Conditions:
Bloom syndrome (BLM). Also called: Bloom-Torre-Machacek syndrome. Identifiers: Orphanet 125, MedGen C0005859, MONDO:0008876, OMIM 210900.

Submission:

Labcorp Genetics (formerly Invitae), Labcorp
Classification: Uncertain significance for Bloom syndrome. Last evaluated: 2023-10-15. Review status: criteria provided, single submitter. Criteria: Invitae Variant Classification Sherloc (09022015). Collection method: clinical testing. Allele origin: germline.
Comment: This sequence change replaces histidine, which is basic and polar, with arginine, which is basic and polar, at codon 1236 of the BLM protein (p.His1236Arg). This variant is not present in population databases (gnomAD no frequency). This variant has not been reported in the literature in individuals affected with BLM-related conditions. Advanced modeling of protein sequence and biophysical properties (such as structural, functional, and spatial information, amino acid conservation, physicochemical variation, residue mobility, and thermodynamic stability) performed at Invitae indicates that this missense variant is not expected to disrupt BLM protein function. In summary, the available evidence is currently insufficient to determine the role of this variant in disease. Therefore, it has been classified as a Variant of Uncertain Significance.

NM_000057.4(BLM):c.3707A>G (p.His1236Arg)

Gene: BLM (BLM RecQ like helicase; plus strand). Cytogenetic location: 15q26.1.
Variant type: single nucleotide variant.
Coding change: c.3707A>G on transcript NM_000057.4 (MANE Select); coding-DNA position 3707, A replaced by G.
Protein change: p.His1236Arg; replaces histidine 1236 with arginine.
Molecular consequence: missense variant. On other transcripts: intron variant (1).
Genome position (GRCh38, 1-based): chr15:90,804,315, A>G. VCF-style: chr15-90804315-A-G. GRCh37 (hg19) VCF-style: chr15-91347545-A-G.
Other names: c.3707A>G, p.His1236Arg (NM_001287246.2); c.2582A>G, p.His861Arg (NM_001287248.2); c.3359-4822A>G (NM_001287247.2); short protein forms H1236R, H861R.
Identifiers: ClinVar variation 2785986 (VCV002785986.3), dbSNP rs2505550315, ClinGen allele CA393848211.